The following is an entry in ClinVar:

NM_058216.3(RAD51C):c.305C>A (p.Thr102Asn)

Gene: RAD51C (RAD51 paralog C; plus strand). Cytogenetic location: 17q22.
Variant type: single nucleotide variant.
Coding change: c.305C>A on transcript NM_058216.3 (MANE Select); coding-DNA position 305, C replaced by A.
Protein change: p.Thr102Asn; replaces threonine 102 with asparagine.
Molecular consequence: missense variant. On other transcripts: non-coding transcript variant (2).
Genome position (GRCh38, 1-based): chr17:58,695,090, C>A. VCF-style: chr17-58695090-C-A. GRCh37 (hg19) VCF-style: chr17-56772451-C-A.
Other names: c.305C>A, p.Thr102Asn (NM_002876.4); c.305C>A (NM_058216.1); short protein forms T102N.
Identifiers: ClinVar variation 960831 (VCV000960831.12), dbSNP rs755106004, ClinGen allele CA400341064.

ClinVar aggregate classification (germline): Uncertain significance. Review status: criteria provided, multiple submitters, no conflicts (2 of 4 stars). 2 submissions from 2 submitters: Uncertain significance (2). Last evaluated 2025-07-28.

Conditions:
Hereditary cancer-predisposing syndrome. Also called: Hereditary neoplastic syndrome; Tumor predisposition; Neoplastic Syndromes, Hereditary; Hereditary Cancer Syndrome. Identifiers: Orphanet 140162, MedGen C0027672, MeSH D009386, MONDO:0015356.
Fanconi anemia complementation group O. Also called: RAD51C-Related Fanconi Anemia. Identifiers: Orphanet 84, MedGen C3150653, MONDO:0013248, OMIM 613390.

gnomAD v4.1: 2 of 1,614,074 alleles (0.00012%); highest among the groups gnomAD compares: Non-Finnish European, 0.00017%; no homozygotes.

Submissions (2):

Ambry Genetics
Classification: Uncertain significance for Hereditary cancer-predisposing syndrome. Last evaluated: 2025-07-28. Review status: criteria provided, single submitter. Criteria: Ambry Variant Classification Scheme 2023. Collection method: clinical testing. Allele origin: germline.
Comment: The p.T102N variant (also known as c.305C>A), located in coding exon 2 of the RAD51C gene, results from a C to A substitution at nucleotide position 305. The threonine at codon 102 is replaced by asparagine, an amino acid with similar properties. This amino acid position is conserved. In addition, the in silico prediction for this alteration is inconclusive. Since supporting evidence is limited at this time, the clinical significance of this alteration remains unclear.

Labcorp Genetics (formerly Invitae), Labcorp
Classification: Uncertain significance for Fanconi anemia complementation group O. Last evaluated: 2023-10-29. Review status: criteria provided, single submitter. Criteria: Invitae Variant Classification Sherloc (09022015). Collection method: clinical testing. Allele origin: germline.
Comment: This sequence change replaces threonine, which is neutral and polar, with asparagine, which is neutral and polar, at codon 102 of the RAD51C protein (p.Thr102Asn). This variant is not present in population databases (gnomAD no frequency). This variant has not been reported in the literature in individuals affected with RAD51C-related conditions. ClinVar contains an entry for this variant (Variation ID: 960831). Advanced modeling of protein sequence and biophysical properties (such as structural, functional, and spatial information, amino acid conservation, physicochemical variation, residue mobility, and thermodynamic stability) performed at Invitae indicates that this missense variant is expected to disrupt RAD51C protein function with a positive predictive value of 80%. In summary, the available evidence is currently insufficient to determine the role of this variant in disease. Therefore, it has been classified as a Variant of Uncertain Significance.